The following is an entry in ClinVar:

NM_003072.5(SMARCA4):c.571G>T (p.Ala191Ser)

Gene: SMARCA4 (SWI/SNF related BAF chromatin remodeling complex subunit ATPase 4; plus strand). Cytogenetic location: 19p13.2.
Variant type: single nucleotide variant.
Coding change: c.571G>T on transcript NM_003072.5 (MANE Select); coding-DNA position 571, G replaced by T.
Protein change: p.Ala191Ser; replaces alanine 191 with serine.
Molecular consequence: missense variant. On other transcripts: non-coding transcript variant (1).
Genome position (GRCh38, 1-based): chr19:10,986,404, G>T. VCF-style: chr19-10986404-G-T. GRCh37 (hg19) VCF-style: chr19-11097080-G-T.
Other names: c.571G>T, p.Ala191Ser (NM_001128844.3, NM_001128845.2, NM_001128846.2 and 4 more transcripts); c.571G>T (NM_001128849.1); short protein forms A191S.
Identifiers: ClinVar variation 1014387 (VCV001014387.9), dbSNP rs759257627, ClinGen allele CA404056427.

ClinVar aggregate classification (germline): Uncertain significance. Review status: criteria provided, multiple submitters, no conflicts (2 of 4 stars). 2 submissions from 2 submitters: Uncertain significance (2). Last evaluated 2026-07-07.

Conditions:
Hereditary cancer-predisposing syndrome. Also called: Tumor predisposition; Hereditary Cancer Syndrome; Hereditary neoplastic syndrome; Neoplastic Syndromes, Hereditary. Identifiers: Orphanet 140162, MedGen C0027672, MeSH D009386, MONDO:0015356.
Rhabdoid tumor predisposition syndrome 2 (RTPS2). Identifiers: Orphanet 231108, Orphanet 69077, MedGen C2750074, MONDO:0013224, OMIM 613325.

Submissions (2):

Ambry Genetics
Classification: Uncertain significance for Hereditary cancer-predisposing syndrome. Last evaluated: 2026-07-07. Review status: criteria provided, single submitter. Criteria: Ambry Variant Classification Scheme 2023. Collection method: clinical testing. Allele origin: germline.
Comment: The p.A191S variant (also known as c.571G>T), located in coding exon 3 of the SMARCA4 gene, results from a G to T substitution at nucleotide position 571. The alanine at codon 191 is replaced by serine, an amino acid with similar properties. This amino acid position is conserved. In addition, this alteration is predicted to be tolerated by in silico analysis. Based on the available evidence, the clinical significance of this variant remains unclear.

Labcorp Genetics (formerly Invitae), Labcorp
Classification: Uncertain significance for Rhabdoid tumor predisposition syndrome 2. Last evaluated: 2020-03-11. Review status: criteria provided, single submitter. Criteria: Invitae Variant Classification Sherloc (09022015). Collection method: clinical testing. Allele origin: germline.
Comment: This variant is not present in population databases (ExAC no frequency). This variant has not been reported in the literature in individuals with SMARCA4-related conditions. Algorithms developed to predict the effect of missense changes on protein structure and function are either unavailable or do not agree on the potential impact of this missense change (SIFT: "Tolerated"; PolyPhen-2: "Possibly Damaging"; Align-GVGD: "Class C0"). In summary, the available evidence is currently insufficient to determine the role of this variant in disease. Therefore, it has been classified as a Variant of Uncertain Significance. This sequence change replaces alanine with serine at codon 191 of the SMARCA4 protein (p.Ala191Ser). The alanine residue is highly conserved and there is a moderate physicochemical difference between alanine and serine.